The following is an entry in ClinVar:

NM_004958.4(MTOR):c.3466_3467del (p.Ile1156fs)

Gene: MTOR (mechanistic target of rapamycin kinase; minus strand). Cytogenetic location: 1p36.22.
Variant type: Deletion.
Coding change: c.3466_3467del on transcript NM_004958.4 (MANE Select); coding-DNA positions 3466 to 3467, 2 bases deleted (AT; older notation c.3466_3467delAT).
Protein change: p.Ile1156fs; shifts the reading frame from isoleucine 1156.
Molecular consequence: frameshift variant.
Genome position (GRCh38, 1-based): chr1:11,212,406-11,212,407, AT deleted on the plus strand (AT on the coding strand, the reverse complement: MTOR is on the minus strand). VCF-style (leftmost placement, unchanged base first): chr1-11212405-AAT-A. GRCh37 (hg19) VCF-style: chr1-11272462-AAT-A.
Other names: c.3466_3467del, p.Ile1156fs (NM_001386500.1); c.2218_2219del, p.Ile740fs (NM_001386501.1); c.3466_3467delAT, p.Ile1156Serfs (NM_004958.3); short protein forms I1156fs, I740fs.
Identifiers: ClinVar variation 3342954 (VCV003342954.1).

ClinVar aggregate classification (germline): Uncertain significance (1 of 4 stars; one submission).

Submission:

GeneDx
Classification: Uncertain significance. Last evaluated: 2023-04-07. Review status: criteria provided, single submitter. Criteria: GeneDx Variant Classification Process June 2021. Collection method: clinical testing. Allele origin: germline. Affected: yes.
Comment: Frameshift variant predicted to result in protein truncation or nonsense mediated decay in a gene or region of a gene for which loss of function is not a well-established mechanism of disease; Not observed at significant frequency in large population cohorts (gnomAD); Has not been previously published as pathogenic or benign to our knowledge